The following is an entry in ClinVar:

NM_001009944.3(PKD1):c.4103C>T (p.Ala1368Val)

Gene: PKD1 (polycystin 1, transient receptor potential channel interacting; minus strand). Cytogenetic location: 16p13.3.
Variant type: single nucleotide variant.
Coding change: c.4103C>T on transcript NM_001009944.3 (MANE Select); coding-DNA position 4103, C replaced by T.
Protein change: p.Ala1368Val; replaces alanine 1368 with valine.
Molecular consequence: missense variant.
Genome position (GRCh38, 1-based): chr16:2,111,064, G>A on the plus strand (C>T on the coding strand, the complement: PKD1 is on the minus strand). VCF-style: chr16-2111064-G-A. GRCh37 (hg19) VCF-style: chr16-2161065-G-A.
Other names: c.4103C>T, p.Ala1368Val (NM_000296.4); short protein forms A1368V.
Identifiers: ClinVar variation 2689754 (VCV002689754.5), dbSNP rs562184754, ClinGen allele CA7832489.

ClinVar aggregate classification (germline): Uncertain significance. Review status: criteria provided, multiple submitters, no conflicts (2 of 4 stars). 3 submissions from 3 submitters: Uncertain significance (3). Last evaluated 2026-08-01.

Conditions:
Polycystic kidney disease, adult type (PKD1). Also called: POLYCYSTIC KIDNEY DISEASE, ADULT, TYPE I; Polycystic Kidney, Autosomal Dominant; POLYCYSTIC KIDNEY DISEASE 1 WITH OR WITHOUT POLYCYSTIC LIVER DISEASE; Polycystic Kidney Disease 1, Autosomal Dominant; Polycystic kidney disease 1; Polycystic kidney disease 1, severe. Identifiers: MedGen C3149841, MONDO:0008263, OMIM 173900.

Allele frequency attached by ClinVar (database versions not stated): gnomAD 0.00001; TOPMed 0.00001; gnomAD exomes 0.00002; ExAC 0.00003.
gnomAD v4.1: 27 of 1,610,538 alleles (0.0017%); highest among the groups gnomAD compares: Admixed American, 0.017%; no homozygotes.

Submissions (3):

CeGaT Center for Human Genetics Tuebingen
Classification: Uncertain significance. Last evaluated: 2026-08-01. Review status: criteria provided, single submitter. Criteria: CeGaT Center For Human Genetics Tuebingen Variant Classification Criteria Version 2. Collection method: clinical testing. Allele origin: germline. Affected: yes. Observed: 1 variant allele.
Comment: PKD1: PM2

Dasa
Classification: Uncertain significance for Polycystic kidney disease, adult type. Last evaluated: 2025-10-16. Review status: criteria provided, single submitter. Criteria: DASA Assertion Criteria. Collection method: clinical testing. Allele origin: germline.
Comment: NM_001009944.3(PKD1):c.4103C>T (p.Ala1368Val) is a missense variant that results in the substitution of alanine with valine. This variant is rare in population databases. The currently available literature and clinical evidence are not sufficient to establish a definitive association between this variant and the reported condition. Therefore, this variant is classified as a variant of uncertain significance.

Revvity Omics, Revvity
Classification: Uncertain significance for Polycystic kidney disease, adult type. Last evaluated: 2023-11-17. Review status: criteria provided, single submitter. Criteria: ACMG Guidelines, 2015. Collection method: clinical testing. Allele origin: germline.